The following is an entry in ClinVar:

NM_017763.6(RNF43):c.730G>A (p.Ala244Thr)

Gene: RNF43 (ring finger protein 43; minus strand). Cytogenetic location: 17q22.
Variant type: single nucleotide variant.
Coding change: c.730G>A on transcript NM_017763.6 (MANE Select); coding-DNA position 730, G replaced by A.
Protein change: p.Ala244Thr; replaces alanine 244 with threonine.
Molecular consequence: missense variant.
Genome position (GRCh38, 1-based): chr17:58,360,902, C>T on the plus strand (G>A on the coding strand, the complement: RNF43 is on the minus strand). VCF-style: chr17-58360902-C-T. GRCh37 (hg19) VCF-style: chr17-56438263-C-T.
Other names: c.730G>A (NM_017763.4); c.730G>A, p.Ala244Thr (NM_001305544.3); c.349G>A, p.Ala117Thr (NM_001305545.2); short protein forms A117T, A244T.
Identifiers: ClinVar variation 1963854 (VCV001963854.7), dbSNP rs771075306, ClinGen allele CA8673312.

ClinVar aggregate classification (germline): Uncertain significance. Review status: criteria provided, multiple submitters, no conflicts (2 of 4 stars). 3 submissions from 3 submitters: Uncertain significance (3). Last evaluated 2025-05-03.

Conditions:
Sessile serrated polyposis cancer syndrome (SSPCS). Identifiers: Orphanet 157798, MedGen C4310714, MONDO:0014919, OMIM 617108.

Allele frequency attached by ClinVar (database versions not stated): TOPMed below 0.00001; ExAC 0.00001; gnomAD 0.00001.

Submissions (3):

Ambry Genetics
Classification: Uncertain significance. Last evaluated: 2025-05-03. Review status: criteria provided, single submitter. Criteria: Ambry Variant Classification Scheme 2023. Collection method: clinical testing. Allele origin: germline.
Comment: The p.A244T variant (also known as c.730G>A), located in coding exon 6 of the RNF43 gene, results from a G to A substitution at nucleotide position 730. The alanine at codon 244 is replaced by threonine, an amino acid with similar properties. This amino acid position is conserved. In addition, this alteration is predicted to be tolerated by in silico analysis. Based on the available evidence, the clinical significance of this variant remains unclear.

Baylor Genetics
Classification: Uncertain significance for Sessile serrated polyposis cancer syndrome. Last evaluated: 2023-08-23. Review status: criteria provided, single submitter. Criteria: ACMG Guidelines, 2015. Collection method: clinical testing. Allele origin: unknown.

Labcorp Genetics (formerly Invitae), Labcorp
Classification: Uncertain significance. Last evaluated: 2022-01-25. Review status: criteria provided, single submitter. Criteria: Invitae Variant Classification Sherloc (09022015). Collection method: clinical testing. Allele origin: germline.
Comment: This sequence change replaces alanine, which is neutral and non-polar, with threonine, which is neutral and polar, at codon 244 of the RNF43 protein (p.Ala244Thr). The frequency data for this variant in the population databases is considered unreliable, as metrics indicate poor data quality at this position in the gnomAD database. This variant has not been reported in the literature in individuals affected with RNF43-related conditions. Algorithms developed to predict the effect of missense changes on protein structure and function are either unavailable or do not agree on the potential impact of this missense change (SIFT: "Tolerated"; PolyPhen-2: "Probably Damaging"; Align-GVGD: "Class C0"). In summary, the available evidence is currently insufficient to determine the role of this variant in disease. Therefore, it has been classified as a Variant of Uncertain Significance.